The following is an entry in ClinVar:

ClinVar aggregate classification (germline): Uncertain significance. Review status: criteria provided, multiple submitters, no conflicts (2 of 4 stars). 2 submissions from 2 submitters: Uncertain significance (2). Last evaluated 2025-03-03.

gnomAD v4.1: 9 of 1,461,622 alleles (0.00062%); highest among the groups gnomAD compares: Admixed American, 0.0019%; no homozygotes.

Submissions (2):

Ambry Genetics
Classification: Uncertain significance. Last evaluated: 2025-03-03. Review status: criteria provided, single submitter. Criteria: Ambry Variant Classification Scheme 2023. Collection method: clinical testing. Allele origin: germline.

Labcorp Genetics (formerly Invitae), Labcorp
Classification: Uncertain significance. Last evaluated: 2024-07-02. Review status: criteria provided, single submitter. Criteria: Invitae Variant Classification Sherloc (09022015). Collection method: clinical testing. Allele origin: germline.
Comment: This sequence change replaces tyrosine, which is neutral and polar, with cysteine, which is neutral and slightly polar, at codon 255 of the POLE2 protein (p.Tyr255Cys). This variant is present in population databases (rs372246512, gnomAD 0.005%). This variant has not been reported in the literature in individuals affected with POLE2-related conditions. An algorithm developed to predict the effect of missense changes on protein structure and function (PolyPhen-2) suggests that this variant is likely to be disruptive. In summary, the available evidence is currently insufficient to determine the role of this variant in disease. Therefore, it has been classified as a Variant of Uncertain Significance.

NM_002692.4(POLE2):c.764A>G (p.Tyr255Cys)

Gene: POLE2 (DNA polymerase epsilon 2, accessory subunit; minus strand). Cytogenetic location: 14q21.3.
Variant type: single nucleotide variant.
Coding change: c.764A>G on transcript NM_002692.4 (MANE Select); coding-DNA position 764, A replaced by G.
Protein change: p.Tyr255Cys; replaces tyrosine 255 with cysteine.
Molecular consequence: missense variant.
Genome position (GRCh38, 1-based): chr14:49,655,835, T>C on the plus strand (A>G on the coding strand, the complement: POLE2 is on the minus strand). VCF-style: chr14-49655835-T-C. GRCh37 (hg19) VCF-style: chr14-50122553-T-C.
Other names: c.764A>G (NM_002692.3); c.686A>G, p.Tyr229Cys (NM_001197330.2); c.764A>G, p.Tyr255Cys (NM_001197331.3, NM_001348384.2); c.533A>G, p.Tyr178Cys (NM_001348385.2); short protein forms Y229C, Y178C, Y255C.
Identifiers: ClinVar variation 3681836 (VCV003681836.3).
Genomic context (GRCh38, chr14:49,655,835, plus strand): 5'-AGTTTTGCAGAAGTCTTCACAGATGTATTAGAAGGACCTCCAAAAAAATTAATATTTCCA[T>C]AGTATGCCCTAGATAATTATAACATAATTATCTTCTATATACCACTAGAGATATTTTTCT-3'
Protein context (NP_002683.2, residues 245-265): TEPSSTTRAY[Tyr255Cys]GNINFFGGPS